The following is an entry in ClinVar:

NM_005219.5(DIAPH1):c.684+3G>A

Gene: DIAPH1 (diaphanous related formin 1; minus strand). Cytogenetic location: 5q31.3.
Variant type: single nucleotide variant.
Coding change: c.684+3G>A on transcript NM_005219.5 (MANE Select); 3 bases into the intron after coding-DNA position 684, G replaced by A.
Molecular consequence: intron variant.
Genome position (GRCh38, 1-based): chr5:141,582,309, C>T on the plus strand (G>A on the coding strand, the complement: DIAPH1 is on the minus strand). VCF-style: chr5-141582309-C-T. GRCh37 (hg19) VCF-style: chr5-140961876-C-T.
Other names: c.657+3G>A (NM_001079812.3); c.684+3G>A (NM_001314007.2).
Identifiers: ClinVar variation 2033215 (VCV002033215.4), dbSNP rs751063859, ClinGen allele CA3479525.
Genomic context (GRCh38, chr5:141,582,309, plus strand): 5'-CCAATAGAAGAGAAAGAACAGGCGTCCAGATGGGGTTTGGAATGAGAATGGGAAAAATCT[C>T]ACCTTGTTGTTCATAAAAGCTTTCAAGCAGCGAATGATCTCATGCTTGTTCCGGCTATCG-3'

ClinVar aggregate classification (germline): Uncertain significance (1 of 4 stars; one submission).

Conditions:
Autosomal dominant nonsyndromic hearing loss 1. Also called: KONIGSMARK SYNDROME; DEAFNESS, AUTOSOMAL DOMINANT 1, WITH OR WITHOUT THROMBOCYTOPENIA. Identifiers: Orphanet 90635, MedGen C1852282, MONDO:0007424, OMIM 124900.
Progressive microcephaly-seizures-cortical blindness-developmental delay syndrome. Also called: Seizures, cortical blindness, and microcephaly syndrome. Identifiers: Orphanet 477814, MedGen C5567650, MONDO:0014714, OMIM 616632.

Allele frequency attached by ClinVar (database versions not stated): ExAC 0.00001; gnomAD 0.00001.
gnomAD v4.1: 1 of 1,613,024 alleles (0.000062%); highest among the groups gnomAD compares: Non-Finnish European, 0.000085%; no homozygotes.

Submission:

Labcorp Genetics (formerly Invitae), Labcorp
Classification: Uncertain significance for Progressive microcephaly-seizures-cortical blindness-developmental delay syndrome; Autosomal dominant nonsyndromic hearing loss 1. Last evaluated: 2022-09-28. Review status: criteria provided, single submitter. Criteria: Invitae Variant Classification Sherloc (09022015). Collection method: clinical testing. Allele origin: germline.
Comment: This variant is present in population databases (rs751063859, gnomAD 0.0009%). In summary, the available evidence is currently insufficient to determine the role of this variant in disease. Therefore, it has been classified as a Variant of Uncertain Significance. Variants that disrupt the consensus splice site are a relatively common cause of aberrant splicing (PMID: 17576681, 9536098). Algorithms developed to predict the effect of sequence changes on RNA splicing suggest that this variant is not likely to affect RNA splicing. This variant has not been reported in the literature in individuals affected with DIAPH1-related conditions. This sequence change falls in intron 7 of the DIAPH1 gene. It does not directly change the encoded amino acid sequence of the DIAPH1 protein. It affects a nucleotide within the consensus splice site.

Literature cited by the submitters: PubMed 17576681; PubMed 9536098.